The following is an entry in ClinVar:

ClinVar aggregate classification (germline): Uncertain significance (1 of 4 stars; one submission).

Submission:

Dasa
Classification: Uncertain significance. Last evaluated: 2026-04-24. Review status: criteria provided, single submitter. Criteria: DASA Assertion Criteria. Collection method: clinical testing. Allele origin: germline.
Comment: NM_024006.6(VKORC1):c.174-10C>G is a splice-region variant. This variant is rare in population databases. The currently available literature and clinical evidence are not sufficient to establish a definitive association between this variant and the reported condition. Therefore, this variant is classified as a variant of uncertain significance.

NM_024006.6(VKORC1):c.174-10C>G

Gene: VKORC1 (vitamin K epoxide reductase complex subunit 1; minus strand). Cytogenetic location: 16p11.2.
Variant type: single nucleotide variant.
Coding change: c.174-10C>G on transcript NM_024006.6 (MANE Select); 10 bases into the intron before coding-DNA position 174, C replaced by G.
Molecular consequence: intron variant.
Genome position (GRCh38, 1-based): chr16:31,093,431, G>C on the plus strand (C>G on the coding strand, the complement: VKORC1 is on the minus strand). VCF-style: chr16-31093431-G-C. GRCh37 (hg19) VCF-style: chr16-31104752-G-C.
Other names: c.173+1126C>G (NM_206824.3); c.174-10C>G (NM_001311311.2).
Identifiers: ClinVar variation 4885904 (VCV004885904.2).